The following is an entry in ClinVar:

NM_000179.3(MSH6):c.3610G>T (p.Ala1204Ser)

Gene: MSH6 (mutS homolog 6; plus strand). Cytogenetic location: 2p16.3.
Variant type: single nucleotide variant.
Coding change: c.3610G>T on transcript NM_000179.3 (MANE Select); coding-DNA position 3610, G replaced by T.
Protein change: p.Ala1204Ser; replaces alanine 1204 with serine.
Molecular consequence: missense variant. On other transcripts: non-coding transcript variant (5).
Genome position (GRCh38, 1-based): chr2:47,805,671, G>T. VCF-style: chr2-47805671-G-T. GRCh37 (hg19) VCF-style: chr2-48032810-G-T.
Other names: c.3220G>T, p.Ala1074Ser (NM_001281492.2); c.2704G>T, p.Ala902Ser (NM_001281493.2, NM_001281494.2, NM_001406811.1 and 6 more transcripts); c.3706G>T, p.Ala1236Ser (NM_001406795.1, NM_001406802.1); c.3610G>T, p.Ala1204Ser (NM_001406796.1, NM_001406800.1, NM_001406808.1 and 1 more transcripts); c.3313G>T, p.Ala1105Ser (NM_001406797.1, NM_001406801.1, NM_001406805.1 and 10 more transcripts); c.3436G>T, p.Ala1146Ser (NM_001406798.1); c.3085G>T, p.Ala1029Ser (NM_001406799.1, NM_001406806.1, NM_001406807.1); c.2746G>T, p.Ala916Ser (NM_001406803.1); and 7 more; short protein forms A1029S, A1074S, A1105S, A1146S, A1148S, A1178S, A1204S, A1206S.
Identifiers: ClinVar variation 4860426 (VCV004860426.1).

ClinVar aggregate classification (germline): Uncertain significance (1 of 4 stars; one submission).

Conditions:
Hereditary cancer-predisposing syndrome. Also called: Neoplastic Syndromes, Hereditary; Tumor predisposition; Hereditary Cancer Syndrome; Hereditary neoplastic syndrome. Identifiers: Orphanet 140162, MedGen C0027672, MeSH D009386, MONDO:0015356.

Submission:

Ambry Genetics
Classification: Uncertain significance for Hereditary cancer-predisposing syndrome. Last evaluated: 2026-06-13. Review status: criteria provided, single submitter. Criteria: Ambry Variant Classification Scheme 2023. Collection method: clinical testing. Allele origin: germline.
Comment: The p.A1204S variant (also known as c.3610G>T), located in coding exon 7 of the MSH6 gene, results from a G to T substitution at nucleotide position 3610. The alanine at codon 1204 is replaced by serine, an amino acid with similar properties. This amino acid position is conserved. In addition, the in silico prediction for this alteration is inconclusive. Based on the available evidence, the clinical significance of this variant remains unclear.